The following is an entry in ClinVar:

ClinVar aggregate classification (germline): Uncertain significance. Review status: criteria provided, multiple submitters, no conflicts (2 of 4 stars). 2 submissions from 2 submitters: Uncertain significance (2). Last evaluated 2025-07-08.

Conditions:
Cardiovascular phenotype. Identifiers: MedGen CN230736.
Hereditary cancer-predisposing syndrome. Also called: Hereditary neoplastic syndrome; Neoplastic Syndromes, Hereditary; Hereditary Cancer Syndrome; Tumor predisposition. Identifiers: Orphanet 140162, MedGen C0027672, MeSH D009386, MONDO:0015356.
Neurofibromatosis, type 1 (NF1). Also called: VON RECKLINGHAUSEN DISEASE; Neurofibromatosis, type I; NEUROFIBROMATOSIS, TYPE I, SOMATIC; Peripheral type neurofibromatosis. Identifiers: Orphanet 636, MedGen C0027831, MONDO:0018975, OMIM 162200. Disease mechanism: loss of function.

Submissions (2):

Labcorp Genetics (formerly Invitae), Labcorp
Classification: Uncertain significance for Neurofibromatosis, type 1. Last evaluated: 2025-07-08. Review status: criteria provided, single submitter. Criteria: Invitae Variant Classification Sherloc (09022015). Collection method: clinical testing. Allele origin: germline.
Comment: This sequence change replaces tyrosine, which is neutral and polar, with histidine, which is basic and polar, at codon 489 of the NF1 protein (p.Tyr489His). This variant is not present in population databases (gnomAD no frequency). This variant has not been reported in the literature in individuals affected with NF1-related conditions. ClinVar contains an entry for this variant (Variation ID: 1394222). Invitae Evidence Modeling of protein sequence and biophysical properties (such as structural, functional, and spatial information, amino acid conservation, physicochemical variation, residue mobility, and thermodynamic stability) indicates that this missense variant is not expected to disrupt NF1 protein function with a negative predictive value of 95%. In summary, the available evidence is currently insufficient to determine the role of this variant in disease. Therefore, it has been classified as a Variant of Uncertain Significance.

Ambry Genetics
Classification: Uncertain significance for Cardiovascular phenotype; Hereditary cancer-predisposing syndrome. Last evaluated: 2020-09-30. Review status: criteria provided, single submitter. Criteria: Ambry Variant Classification Scheme 2023. Collection method: clinical testing. Allele origin: germline.
Comment: The p.Y489H variant (also known as c.1465T>C), located in coding exon 13 of the NF1 gene, results from a T to C substitution at nucleotide position 1465. The tyrosine at codon 489 is replaced by histidine, an amino acid with similar properties. This amino acid position is highly conserved in available vertebrate species. In addition, the in silico prediction for this alteration is inconclusive. Since supporting evidence is limited at this time, the clinical significance of this alteration remains unclear.

NM_001042492.3(NF1):c.1465T>C (p.Tyr489His)

Gene: NF1 (neurofibromin 1; plus strand). Cytogenetic location: 17q11.2.
Variant type: single nucleotide variant.
Coding change: c.1465T>C on transcript NM_001042492.3 (MANE Select); coding-DNA position 1465, T replaced by C.
Protein change: p.Tyr489His; replaces tyrosine 489 with histidine.
Molecular consequence: missense variant.
Genome position (GRCh38, 1-based): chr17:31,214,523, T>C. VCF-style: chr17-31214523-T-C. GRCh37 (hg19) VCF-style: chr17-29541541-T-C.
Other names: c.1465T>C, p.Tyr489His (NM_000267.4, NM_001128147.3); short protein forms Y489H.
Identifiers: ClinVar variation 1394222 (VCV001394222.8), dbSNP rs2066786672, ClinGen allele CA399001571.